The following is an entry in ClinVar:

NM_002470.4(MYH3):c.256G>A (p.Asp86Asn)

Gene: MYH3 (myosin heavy chain 3; minus strand). Cytogenetic location: 17p13.1.
Variant type: single nucleotide variant.
Coding change: c.256G>A on transcript NM_002470.4 (MANE Select); coding-DNA position 256, G replaced by A.
Protein change: p.Asp86Asn; replaces aspartic acid 86 with asparagine.
Molecular consequence: missense variant.
Genome position (GRCh38, 1-based): chr17:10,652,512, C>T on the plus strand (G>A on the coding strand, the complement: MYH3 is on the minus strand). VCF-style: chr17-10652512-C-T. GRCh37 (hg19) VCF-style: chr17-10555829-C-T.
Other names: c.256G>A (NM_002470.3); short protein forms D86N.
Identifiers: ClinVar variation 1471924 (VCV001471924.7), dbSNP rs779714194, ClinGen allele CA8393356.

ClinVar aggregate classification (germline): Uncertain significance. Review status: criteria provided, multiple submitters, no conflicts (2 of 4 stars). 2 submissions from 2 submitters: Uncertain significance (2). Last evaluated 2025-12-01.

Conditions:
Inborn genetic diseases. Identifiers: MedGen C0950123, MeSH D030342.

Allele frequency attached by ClinVar (database versions not stated): gnomAD 0.00001; TOPMed 0.00001.
gnomAD v4.1: 23 of 1,609,718 alleles (0.0014%); highest among the groups gnomAD compares: Admixed American, 0.01%; no homozygotes.

Submissions (2):

Labcorp Genetics (formerly Invitae), Labcorp
Classification: Uncertain significance. Last evaluated: 2025-12-01. Review status: criteria provided, single submitter. Criteria: Invitae Variant Classification Sherloc (09022015). Collection method: clinical testing. Allele origin: germline.
Comment: This sequence change replaces aspartic acid, which is acidic and polar, with asparagine, which is neutral and polar, at codon 86 of the MYH3 protein (p.Asp86Asn). This variant is present in population databases (rs779714194, gnomAD 0.01%). This variant has not been reported in the literature in individuals affected with MYH3-related conditions. ClinVar contains an entry for this variant (Variation ID: 1471924). Invitae Evidence Modeling of protein sequence and biophysical properties (such as structural, functional, and spatial information, amino acid conservation, physicochemical variation, residue mobility, and thermodynamic stability) indicates that this missense variant is not expected to disrupt MYH3 protein function with a negative predictive value of 95%. In summary, the available evidence is currently insufficient to determine the role of this variant in disease. Therefore, it has been classified as a Variant of Uncertain Significance.

Ambry Genetics
Classification: Uncertain significance for Inborn genetic diseases. Last evaluated: 2021-09-16. Review status: criteria provided, single submitter. Criteria: Ambry Variant Classification Scheme 2023. Collection method: clinical testing. Allele origin: germline.